The following is an entry in ClinVar:

ClinVar aggregate classification (germline): Uncertain significance. Review status: criteria provided, multiple submitters, no conflicts (2 of 4 stars). 4 submissions from 4 submitters: Uncertain significance (4). Last evaluated 2026-10-01.

Conditions:
Inborn genetic diseases. Identifiers: MedGen C0950123, MeSH D030342.
Thrombocytopenia 2 (THC2). Also called: ANKRD26-Related Thrombocytopenia. Identifiers: Orphanet 268322, MedGen C1861185, MONDO:0008555, OMIM 188000.

Allele frequency attached by ClinVar (database versions not stated): gnomAD 0.00001; TOPMed 0.00001; ExAC 0.00004; gnomAD exomes 0.00007.
gnomAD v4.1: 94 of 1,610,210 alleles (0.0058%); highest among the groups gnomAD compares: Non-Finnish European, 0.0079%; no homozygotes.

Submissions (4):

St. Jude Molecular Pathology, St. Jude Children's Research Hospital
Classification: Uncertain significance for Thrombocytopenia 2. Last evaluated: 2026-10-01. Review status: criteria provided, single submitter. Criteria: St. Jude Assertion Criteria 2020. Collection method: clinical testing. Allele origin: germline.
Comment: The ANKRD26 c.1600C>G p.(Gln534Glu) missense change has a maximum subpopulation frequency of 0.006% in gnomAD v2.1.1. This variant is not located in the 5Ã¢ € ™ UTR. The in silico tool REVEL predicts a benign effect on protein function, but to our knowledge this prediction has not been confirmed by functional studies. To our knowledge, this variant has not been reported in the literature in individuals with ANKRD26-r elated thrombocytopenia. In summary, the evidence currently available is insufficient to determine the clinical significance of this variant. It has therefore been classified as of uncertain significance.

Ambry Genetics
Classification: Uncertain significance for Inborn genetic diseases. Last evaluated: 2024-12-20. Review status: criteria provided, single submitter. Criteria: Ambry Variant Classification Scheme 2023. Collection method: clinical testing. Allele origin: germline.
Comment: The p.Q534E variant (also known as c.1600C>G), located in coding exon 16 of the ANKRD26 gene, results from a C to G substitution at nucleotide position 1600. The glutamine at codon 534 is replaced by glutamic acid, an amino acid with highly similar properties. This amino acid position is conserved. In addition, this alteration is predicted to be tolerated by in silico analysis. Based on the available evidence, the clinical significance of this variant remains unclear.

Labcorp Genetics (formerly Invitae), Labcorp
Classification: Uncertain significance. Last evaluated: 2024-06-08. Review status: criteria provided, single submitter. Criteria: Invitae Variant Classification Sherloc (09022015). Collection method: clinical testing. Allele origin: germline.
Comment: This sequence change replaces glutamine, which is neutral and polar, with glutamic acid, which is acidic and polar, at codon 534 of the ANKRD26 protein (p.Gln534Glu). This variant is present in population databases (rs756100121, gnomAD 0.005%). This variant has not been reported in the literature in individuals affected with ANKRD26-related conditions. Algorithms developed to predict the effect of missense changes on protein structure and function output the following: SIFT: "Not Available"; PolyPhen-2: "Benign"; Align-GVGD: "Not Available". The glutamic acid amino acid residue is found in multiple mammalian species, which suggests that this missense change does not adversely affect protein function. In summary, the available evidence is currently insufficient to determine the role of this variant in disease. Therefore, it has been classified as a Variant of Uncertain Significance.

GeneDx
Classification: Uncertain significance. Last evaluated: 2024-05-29. Review status: criteria provided, single submitter. Criteria: GeneDx Variant Classification Process June 2021. Collection method: clinical testing. Allele origin: germline. Affected: yes.
Comment: In silico analysis indicates that this missense variant does not alter protein structure/function; Has not been previously published as pathogenic or benign to our knowledge

NM_014915.3(ANKRD26):c.1600C>G (p.Gln534Glu)

Gene: ANKRD26 (ankyrin repeat domain 26; minus strand). Cytogenetic location: 10p12.1.
Variant type: single nucleotide variant.
Coding change: c.1600C>G on transcript NM_014915.3 (MANE Select); coding-DNA position 1600, C replaced by G.
Protein change: p.Gln534Glu; replaces glutamine 534 with glutamic acid.
Molecular consequence: missense variant.
Genome position (GRCh38, 1-based): chr10:27,053,355, G>C on the plus strand (C>G on the coding strand, the complement: ANKRD26 is on the minus strand). VCF-style: chr10-27053355-G-C. GRCh37 (hg19) VCF-style: chr10-27342284-G-C.
Other names: c.1600C>G, p.Gln534Glu (NM_001256053.2); short protein forms Q534E.
Identifiers: ClinVar variation 2884603 (VCV002884603.6), dbSNP rs756100121, ClinGen allele CA5448474.